The following is an entry in ClinVar:

ClinVar aggregate classification (germline): Uncertain significance. Review status: criteria provided, multiple submitters, no conflicts (2 of 4 stars). 2 submissions from 2 submitters: Uncertain significance (2). Last evaluated 2025-10-07.

Submissions (2):

Women's Health and Genetics/Laboratory Corporation of America, LabCorp
Classification: Uncertain significance. Last evaluated: 2025-10-07. Review status: criteria provided, single submitter. Criteria: LabCorp Variant Classification Summary - May 2015. Collection method: clinical testing. Allele origin: germline.
Comment: Variant summary: APP c.2222_2224delCTG (p.Ala741del) results in an in-frame deletion that is predicted to remove 1 amino acid from the encoded protein. The variant allele was found at a frequency of 4e-06 in 251294 control chromosomes. The available data on variant occurrences in the general population are insufficient to allow any conclusion about variant significance. To our knowledge, no occurrence of c.2222_2224delCTG in individuals affected with APP-related conditions and no experimental evidence demonstrating its impact on protein function have been reported. ClinVar contains an entry for this variant (Variation ID: 994776). Based on the evidence outlined above, the variant was classified as uncertain significance.

Athena Diagnostics
Classification: Uncertain significance. Last evaluated: 2019-12-30. Review status: criteria provided, single submitter. Criteria: Athena Diagnostics Criteria. Collection method: clinical testing. Allele origin: unknown.

NM_000484.4(APP):c.2222_2224del (p.Ala741del)

Gene: APP (amyloid beta precursor protein; minus strand). Cytogenetic location: 21q21.3.
Variant type: Deletion.
Coding change: c.2222_2224del on transcript NM_000484.4 (MANE Select); coding-DNA positions 2222 to 2224, 3 bases deleted (CTG; older notation c.2222_2224delCTG).
Protein change: p.Ala741del; deletes alanine 741.
Molecular consequence: inframe deletion.
Genome position (GRCh38, 1-based): chr21:25,881,759-25,881,761, CAG deleted on the plus strand (CTG on the coding strand, the reverse complement: APP is on the minus strand); deleting any 3 consecutive bases within chr21:25,881,759-25,881,762 gives the same sequence; the c. name uses the placement nearest the transcript's 3' end. VCF-style (leftmost placement, unchanged base first): chr21-25881758-ACAG-A. GRCh37 (hg19) VCF-style: chr21-27254069-ACAG-A.
Other names: c.2150_2152del, p.Ala717del (NM_001136016.3); c.1829_1831del, p.Ala610del (NM_001136129.3); c.2054_2056del, p.Ala685del (NM_001136130.3, NM_001385253.1); c.1892_1894del, p.Ala631del (NM_001136131.3); c.2168_2170del, p.Ala723del (NM_001204301.2); c.2111_2113del, p.Ala704del (NM_001204302.2); c.1943_1945del, p.Ala648del (NM_001204303.2); c.2165_2167del, p.Ala722del (NM_201413.3); and 2 more; short protein forms A610del, A631del, A648del, A666del, A685del, A704del, A717del, A722del.
Identifiers: ClinVar variation 994776 (VCV000994776.2), dbSNP rs759157514, ClinGen allele CA9987018.